The following is an entry in ClinVar:

NM_005573.4(LMNB1):c.1221T>C (p.Arg407=)

Gene: LMNB1 (lamin B1; plus strand). Cytogenetic location: 5q23.2.
Variant type: single nucleotide variant.
Coding change: c.1221T>C on transcript NM_005573.4 (MANE Select); coding-DNA position 1221, T replaced by C.
Protein change: p.Arg407=; no amino-acid change (arginine 407 retained).
Molecular consequence: synonymous variant. On other transcripts: non-coding transcript variant (2).
Genome position (GRCh38, 1-based): chr5:126,820,970, T>C. VCF-style: chr5-126820970-T-C. GRCh37 (hg19) VCF-style: chr5-126156662-T-C.
Other names: c.591T>C, p.Arg197= (NM_001198557.2).
Identifiers: ClinVar variation 3025111 (VCV003025111.22), dbSNP rs201104948, ClinGen allele CA3390671.

ClinVar aggregate classification (germline): Likely benign (1 of 4 stars; one submission).

Allele frequency attached by ClinVar (database versions not stated): TOPMed 0.00002; ExAC 0.00003; gnomAD 0.00005; gnomAD exomes 0.00005; ESP Exome Variant Server 0.00008.
gnomAD v4.1: 72 of 1,614,002 alleles (0.0045%); highest among the groups gnomAD compares: Non-Finnish European, 0.0047%; no homozygotes.

Submission:

CeGaT Center for Human Genetics Tuebingen
Classification: Likely benign. Last evaluated: 2023-12-01. Review status: criteria provided, single submitter. Criteria: CeGaT Center For Human Genetics Tuebingen Variant Classification Criteria Version 2. Collection method: clinical testing. Allele origin: germline. Affected: yes. Observed: 1 variant allele.
Comment: LMNB1: BP4, BP7